The following is an entry in ClinVar:

NM_000038.6(APC):c.8363C>T (p.Pro2788Leu)

Gene: APC (APC regulator of Wnt signaling pathway; plus strand). Cytogenetic location: 5q22.2.
Variant type: single nucleotide variant.
Coding change: c.8363C>T on transcript NM_000038.6 (MANE Select); coding-DNA position 8363, C replaced by T.
Protein change: p.Pro2788Leu; replaces proline 2788 with leucine.
Molecular consequence: missense variant. On other transcripts: non-coding transcript variant (2).
Genome position (GRCh38, 1-based): chr5:112,843,957, C>T. VCF-style: chr5-112843957-C-T. GRCh37 (hg19) VCF-style: chr5-112179654-C-T.
Other names: c.8363C>T, p.Pro2788Leu (NM_001127510.3, NM_001354895.2, NM_001407450.1); c.8309C>T, p.Pro2770Leu (NM_001127511.3); c.8417C>T, p.Pro2806Leu (NM_001354896.2, NM_001407447.1, NM_001407448.1 and 1 more transcripts); c.8393C>T, p.Pro2798Leu (NM_001354897.2); c.8288C>T, p.Pro2763Leu (NM_001354898.2); c.8279C>T, p.Pro2760Leu (NM_001354899.2); c.8240C>T, p.Pro2747Leu (NM_001354900.2); c.8186C>T, p.Pro2729Leu (NM_001354901.2, NM_001407453.1); and 11 more; short protein forms P2404L, P2505L, P2687L, P2705L, P2760L, P2806L, P2662L, P2747L.
Identifiers: ClinVar variation 4121735 (VCV004121735.1).
Genomic context (GRCh38, chr5:112,843,957, plus strand): 5'-GCAAACACAGTTCACCTAGTGGGACTGTTGCTGCCAGAGTGACTCCTTTTAATTACAACC[C>T]AAGCCCTAGGAAAAGCAGCGCAGATAGCACTTCAGCTCGGCCATCTCAGATCCCAACTCC-3'
Protein context (NP_000029.2, residues 2778-2798): AARVTPFNYN[Pro2788Leu]SPRKSSADST

ClinVar aggregate classification (germline): Uncertain significance (1 of 4 stars; one submission).

Conditions:
Hereditary cancer-predisposing syndrome. Also called: Hereditary neoplastic syndrome; Neoplastic Syndromes, Hereditary; Tumor predisposition; Hereditary Cancer Syndrome. Identifiers: Orphanet 140162, MedGen C0027672, MeSH D009386, MONDO:0015356.

Submission:

Ambry Genetics
Classification: Uncertain significance for Hereditary cancer-predisposing syndrome. Last evaluated: 2025-09-01. Review status: criteria provided, single submitter. Criteria: Ambry Variant Classification Scheme 2023. Collection method: clinical testing. Allele origin: germline.
Comment: The p.P2788L variant (also known as c.8363C>T), located in coding exon 15 of the APC gene, results from a C to T substitution at nucleotide position 8363. The proline at codon 2788 is replaced by leucine, an amino acid with similar properties. This amino acid position is conserved. In addition, in silico predictors for this gene do not accurately predict pathogenicity. Based on the available evidence, the clinical significance of this variant remains unclear.